The following is an entry in ClinVar:

ClinVar aggregate classification (germline): Conflicting classifications of pathogenicity. Review status: criteria provided, conflicting classifications (1 of 4 stars). 3 submissions from 3 submitters: Uncertain significance (2); Likely benign (1). Last evaluated 2026-09-29.

Conditions:
Developmental and epileptic encephalopathy, 24 (DEE24). Also called: Epileptic encephalopathy, early infantile, 24. Identifiers: Orphanet 442835, MedGen C4014531, MONDO:0014377, OMIM 615871.
Early-infantile DEE. Also called: Ohtahara syndrome; Early infantile epileptic encephalopathy with suppression bursts; Early infantile epileptic encephalopathy. Identifiers: Orphanet 1934, MedGen C0393706, MONDO:0800491.

Allele frequency attached by ClinVar (database versions not stated): gnomAD exomes below 0.00001.
gnomAD v4.1: 5 of 1,613,716 alleles (0.00031%); highest among the groups gnomAD compares: Non-Finnish European, 0.00042%; no homozygotes.

Submissions (3):

GeneDx
Classification: Uncertain significance. Last evaluated: 2026-09-29. Review status: criteria provided, single submitter. Criteria: GeneDx Variant Classification Process June 2021. Collection method: clinical testing. Allele origin: germline.
Comment: Not observed at significant frequency in large population cohorts (gnomAD); In silico analysis supports that this missense variant has a deleterious effect on protein structure/function; Has not been previously published as pathogenic or benign to our knowledge.

Labcorp Genetics (formerly Invitae), Labcorp
Classification: Likely benign for Early-infantile DEE. Last evaluated: 2020-02-04. Review status: criteria provided, single submitter. Criteria: Invitae Variant Classification Sherloc (09022015). Collection method: clinical testing. Allele origin: germline.

Institute of Human Genetics, University of Leipzig Medical Center
Classification: Uncertain significance for Developmental and epileptic encephalopathy, 24. Last evaluated: 2018-07-03. Review status: criteria provided, single submitter. Criteria: ACMG Guidelines, 2015. Collection method: clinical testing. Allele origin: germline. Affected: yes. Observed: 1 variant allele.

NM_021072.4(HCN1):c.1183G>A (p.Ala395Thr)

Gene: HCN1 (hyperpolarization activated cyclic nucleotide gated potassium channel 1; minus strand). Cytogenetic location: 5p12.
Variant type: single nucleotide variant.
Coding change: c.1183G>A on transcript NM_021072.4 (MANE Select); coding-DNA position 1183, G replaced by A.
Protein change: p.Ala395Thr; replaces alanine 395 with threonine.
Molecular consequence: missense variant.
Genome position (GRCh38, 1-based): chr5:45,396,539, C>T on the plus strand (G>A on the coding strand, the complement: HCN1 is on the minus strand). VCF-style: chr5-45396539-C-T. GRCh37 (hg19) VCF-style: chr5-45396641-C-T.
Other names: short protein forms A395T.
Identifiers: ClinVar variation 848402 (VCV000848402.14), dbSNP rs1739691061, ClinGen allele CA359705242.
Genomic context (GRCh38, chr5:45,396,539, plus strand): 5'-TAAAACAAATTACCTTCTCTTGATACTGCCGCCTCGAAGAATCCAGAGACTGGATTAAAG[C>T]GGTGGCATGGCCGACAAACATGGCATAGCAGGTGGCCCCGACGATCATGCTCAGCATGGT-3'
Protein context (NP_066550.2, residues 385-405): CYAMFVGHAT[Ala395Thr]LIQSLDSSRR